The following is an entry in ClinVar:

ClinVar aggregate classification (germline): Likely benign (1 of 4 stars; one submission).

Allele frequency attached by ClinVar (database versions not stated): gnomAD exomes below 0.00001.
gnomAD v4.1: 1 of 1,612,220 alleles (0.000062%); highest among the groups gnomAD compares: Non-Finnish European, 0.000085%; no homozygotes.

Submission:

GeneDx
Classification: Likely benign. Last evaluated: 2017-04-03. Review status: criteria provided, single submitter. Criteria: GeneDx Variant Classification (06012015). Collection method: clinical testing. Allele origin: germline. Affected: yes.
Comment: This variant is considered likely benign or benign based on one or more of the following criteria: it is a conservative change, it occurs at a poorly conserved position in the protein, it is predicted to be benign by multiple in silico algorithms, and/or has population frequency not consistent with disease.

NM_001371727.1(GABRB2):c.169+8G>T

Gene: GABRB2 (gamma-aminobutyric acid type A receptor subunit beta2; minus strand). Cytogenetic location: 5q34.
Variant type: single nucleotide variant.
Coding change: c.169+8G>T on transcript NM_001371727.1 (MANE Select); 8 bases into the intron after coding-DNA position 169, G replaced by T.
Molecular consequence: intron variant.
Genome position (GRCh38, 1-based): chr5:161,546,314, C>A on the plus strand (G>T on the coding strand, the complement: GABRB2 is on the minus strand). VCF-style: chr5-161546314-C-A. GRCh37 (hg19) VCF-style: chr5-160973320-C-A.
Other names: c.169+8G>T (NM_000813.3, NM_021911.3).
Identifiers: ClinVar variation 508696 (VCV000508696.1), dbSNP rs1554107817, ClinGen allele CA658796674.